The following is an entry in ClinVar:

ClinVar aggregate classification (germline): Uncertain significance. Review status: criteria provided, multiple submitters, no conflicts (2 of 4 stars). 5 submissions from 5 submitters: Uncertain significance (5). Last evaluated 2025-12-11.

Conditions:
Cardiovascular phenotype. Identifiers: MedGen CN230736.
Osteogenesis imperfecta, perinatal lethal (OI2). Also called: Osteogenesis imperfecta type 2; OI, TYPE II; OSTEOGENESIS IMPERFECTA CONGENITA; Osteogenesis imperfecta, dominant perinatal lethal; OSTEOGENESIS IMPERFECTA, TYPE II; VROLIK TYPE OF OSTEOGENESIS IMPERFECTA. Identifiers: Orphanet 216804, MedGen C0268358, MONDO:0008147, OMIM 166210.
Osteogenesis imperfecta type III (OI3). Also called: OI type 3; Osteogenesis imperfecta, progressively deforming with normal sclerae; OI type III; Progressively Deforming Osteogenesis Imperfecta; Osteogenesis imperfecta type 3. Identifiers: Orphanet 216812, Orphanet 666, MedGen C0268362, MONDO:0009804, OMIM 259420.
Combined osteogenesis imperfecta and Ehlers-Danlos syndrome 2. Also called: OIEDS SYNDROME 2. Identifiers: MedGen C5436847, MONDO:0030855, OMIM 619120.
Ehlers-Danlos syndrome, arthrochalasia type, 2. Also called: EHLERS-DANLOS SYNDROME, TYPE VIIB, AUTOSOMAL DOMINANT. Identifiers: MedGen CN293783, MONDO:0040501, OMIM 617821.
Osteoporosis. Identifiers: MedGen C0029456, MONDO:0005298, OMIM 166710, HP:0000939.
Osteogenesis imperfecta with normal sclerae, dominant form (OI4). Also called: OSTEOGENESIS IMPERFECTA WITH NORMAL SCLERAE; Osteogenesis Imperfecta Type IV; OSTEOGENESIS IMPERFECTA, TYPE IV, WITH DENTINOGENESIS IMPERFECTA; Common Variable Osteogenesis Imperfecta with Normal Sclerae; Osteogenesis imperfecta type 4. Identifiers: Orphanet 216820, Orphanet 666, MedGen C0268363, MONDO:0008148, OMIM 166220.
Ehlers-Danlos syndrome, cardiac valvular type. Identifiers: Orphanet 230851, MedGen C4303789, MONDO:0009159, OMIM 225320.
Osteogenesis imperfecta type I (OI1). Also called: OI, TYPE I; OSTEOGENESIS IMPERFECTA TARDA; OSTEOGENESIS IMPERFECTA WITH BLUE SCLERAE; Lobstein's Disease; Classic Non-deforming Osteogenesis Imperfecta with Blue Sclerae; Lobstein disease. Identifiers: Orphanet 216796, Orphanet 666, MedGen C0023931, MONDO:0008146, OMIM 166200. Disease mechanism: loss of function.
Ehlers-Danlos syndrome, classic type, 1 (EDSCL1). Also called: Ehlers-Danlos Syndrome, Classic Type, COL5A1-Related; EDS I; Ehlers-Danlos syndrome, type 1; EHLERS-DANLOS SYNDROME, GRAVIS TYPE; EHLERS-DANLOS SYNDROME, SEVERE CLASSIC TYPE. Identifiers: MedGen C0268335, MONDO:0019567, OMIM 130000.

Allele frequency attached by ClinVar (database versions not stated): ESP Exome Variant Server 0.00008; gnomAD exomes 0.00003 and 0.00002; gnomAD 0.00002; TOPMed 0.00002; ExAC 0.00003.
gnomAD v4.1: 30 of 1,611,540 alleles (0.0019%); highest among the groups gnomAD compares: Middle Eastern, 0.016%; no homozygotes.

Submissions (5):

Labcorp Genetics (formerly Invitae), Labcorp
Classification: Uncertain significance for Osteogenesis imperfecta type I; Ehlers-Danlos syndrome, classic type, 1. Last evaluated: 2025-12-11. Review status: criteria provided, single submitter. Criteria: Invitae Variant Classification Sherloc (09022015). Collection method: clinical testing. Allele origin: germline.
Comment: This sequence change falls in intron 24 of the COL1A2 gene. It does not directly change the encoded amino acid sequence of the COL1A2 protein. It affects a nucleotide within the consensus splice site. This variant is present in population databases (rs369907691, gnomAD 0.04%). This variant has not been reported in the literature in individuals affected with COL1A2-related conditions. ClinVar contains an entry for this variant (Variation ID: 579862). Variants that disrupt the consensus splice site are a relatively common cause of aberrant splicing (PMID: 17576681, 9536098). Algorithms developed to predict the effect of sequence changes on RNA splicing suggest that this variant is not likely to affect RNA splicing. In summary, the available evidence is currently insufficient to determine the role of this variant in disease. Therefore, it has been classified as a Variant of Uncertain Significance.

Baylor Genetics
Classification: Uncertain significance for Osteogenesis imperfecta with normal sclerae, dominant form. Last evaluated: 2023-05-11. Review status: criteria provided, single submitter. Criteria: ACMG Guidelines, 2015. Collection method: clinical testing. Allele origin: unknown.

Department of Pathology and Laboratory Medicine, Sinai Health System
Classification: Uncertain significance for Osteogenesis imperfecta, perinatal lethal; Osteogenesis imperfecta with normal sclerae, dominant form; Osteoporosis; Ehlers-Danlos syndrome, cardiac valvular type; Osteogenesis imperfecta type III; Ehlers-Danlos syndrome, arthrochalasia type, 2; Combined osteogenesis imperfecta and Ehlers-Danlos syndrome 2. Last evaluated: 2022-07-14. Review status: criteria provided, single submitter. Criteria: ACMG Guidelines, 2015. Collection method: research. Allele origin: germline.

Ambry Genetics
Classification: Uncertain significance for Cardiovascular phenotype. Last evaluated: 2021-06-25. Review status: criteria provided, single submitter. Criteria: Ambry Variant Classification Scheme 2023. Collection method: clinical testing. Allele origin: germline.
Comment: The c.1404+4A>C intronic variant results from an A to C substitution 4 nucleotides after coding exon 24 in the COL1A2 gene. This nucleotide position is well conserved in available vertebrate species. In silico splice site analysis for this alteration is inconclusive. Since supporting evidence is limited at this time, the clinical significance of this alteration remains unclear.

GeneDx
Classification: Uncertain significance. Last evaluated: 2021-05-25. Review status: criteria provided, single submitter. Criteria: GeneDx Variant Classification Process June 2021. Collection method: clinical testing. Allele origin: germline. Affected: yes.
Comment: Has not been previously published as pathogenic or benign to our knowledge; In silico analysis supports a deleterious effect on splicing; Reported in ClinVar as a variant of uncertain significance (ClinVar Variant ID# 579862; Landrum et al., 2016)

Literature cited by the submitters: PubMed 17576681 (cited by Labcorp Genetics (formerly Invitae), Labcorp); PubMed 9536098 (cited by Labcorp Genetics (formerly Invitae), Labcorp).

NM_000089.4(COL1A2):c.1404+4A>C

Gene: COL1A2 (collagen type I alpha 2 chain; plus strand). Cytogenetic location: 7q21.3.
Variant type: single nucleotide variant.
Coding change: c.1404+4A>C on transcript NM_000089.4 (MANE Select); 4 bases into the intron after coding-DNA position 1404, A replaced by C.
Molecular consequence: intron variant.
Genome position (GRCh38, 1-based): chr7:94,412,125, A>C. VCF-style: chr7-94412125-A-C. GRCh37 (hg19) VCF-style: chr7-94041437-A-C.
Identifiers: ClinVar variation 579862 (VCV000579862.14), dbSNP rs369907691, ClinGen allele CA4347030.
Genomic context (GRCh38, chr7:94,412,125, plus strand): 5'-TAGGGTCTTCCTGGTTCCCCTGGAAATATCGGCCCCGCTGGAAAAGAAGGTCCTGTCGTA[A>C]GTATTGCTCATTTTCCATTATATTTTCAAGGACACTTATTGCACCCTTATCAAGTCTATT-3'